The following is an entry in ClinVar:

ClinVar aggregate classification (germline): Likely benign. Review status: criteria provided, multiple submitters, no conflicts (2 of 4 stars). 2 submissions from 2 submitters: Likely benign (2). Last evaluated 2026-02-01.

Conditions:
Hereditary breast ovarian cancer syndrome. Also called: Hereditary breast and ovarian cancer syndrome; Hereditary breast and ovarian cancer syndrome (HBOC); BRCA1- and BRCA2-Associated Hereditary Breast and Ovarian Cancer; Hereditary breast and ovarian cancer; Breast and ovarian cancer; Hereditary breast and/or ovarian cancer syndrome. Identifiers: Orphanet 145, MedGen C0677776, MeSH D061325, MONDO:0003582. Disease mechanism: loss of function.

Submissions (2):

CeGaT Center for Human Genetics Tuebingen
Classification: Likely benign. Last evaluated: 2026-02-01. Review status: criteria provided, single submitter. Criteria: CeGaT Center For Human Genetics Tuebingen Variant Classification Criteria Version 2. Collection method: clinical testing. Allele origin: germline. Affected: yes. Observed: 1 variant allele.
Comment: BRCA1: BP4

Labcorp Genetics (formerly Invitae), Labcorp
Classification: Likely benign for Hereditary breast ovarian cancer syndrome. Last evaluated: 2024-11-17. Review status: criteria provided, single submitter. Criteria: Invitae Variant Classification Sherloc (09022015). Collection method: clinical testing. Allele origin: germline.

NM_007294.4(BRCA1):c.4185+11TG[4]

Gene: BRCA1 (BRCA1 DNA repair associated; minus strand). Cytogenetic location: 17q21.31.
Variant type: Microsatellite.
Coding change: c.4185+11TG[4] on transcript NM_007294.4 (MANE Select); four copies in a row of the 2-base unit TG starting at c.4185+11; the reference has six copies in a row; two copies, 4 bases deleted.
Molecular consequence: intron variant.
Genome position (GRCh38, 1-based): chr17:43,090,922-43,090,925, CACA deleted on the plus strand (TGTG on the coding strand, the reverse complement: BRCA1 is on the minus strand); deleting any 4 consecutive bases within chr17:43,090,922-43,090,934 gives the same sequence; the position shown is the placement nearest the transcript's 3' end. VCF-style (leftmost placement, unchanged base first): chr17-43090921-GCACA-G. GRCh37 (hg19) VCF-style: chr17-41242938-GCACA-G.
Other names: c.735+11TG[4] (NM_001408458.1, NM_001408469.1, NM_001408453.1 and 11 more transcripts); c.3297+11TG[4] (NM_001407967.1, NM_001407966.1); c.3804+11TG[4] (NM_001407959.1, NM_001407963.1, NM_001407960.1); c.3918+11TG[4] (NM_001407931.1, NM_001407932.1, NM_001407934.1 and 2 more transcripts); c.4041+11TG[4] (NM_001407747.1, NM_001407848.1, NM_001407839.1 and 20 more transcripts); c.3801+11TG[4] (NM_001407962.1); c.372+11TG[4] (NM_001408512.1); c.495+11TG[4] (NM_001408510.1); and 41 more.
Identifiers: ClinVar variation 754961 (VCV000754961.15), dbSNP rs273900723, ClinGen allele CA915950067.